The following is an entry in ClinVar:

NM_000059.4(BRCA2):c.5325_5334del (p.Asn1778fs)

Gene: BRCA2 (BRCA2 DNA repair associated; plus strand). Cytogenetic location: 13q13.1.
Variant type: Deletion.
Coding change: c.5325_5334del on transcript NM_000059.4 (MANE Select); coding-DNA positions 5325 to 5334, 10 bases deleted (ATTGAAGAAT; older notation c.5325_5334delATTGAAGAAT).
Protein change: p.Asn1778fs; shifts the reading frame from asparagine 1778.
Molecular consequence: frameshift variant.
Genome position (GRCh38, 1-based): chr13:32,339,680-32,339,689, ATTGAAGAAT deleted; deleting any 10 consecutive bases within chr13:32,339,679-32,339,689 gives the same sequence; the c. name uses the placement nearest the transcript's 3' end. VCF-style (leftmost placement, unchanged base first): chr13-32339678-GTATTGAAGAA-G. GRCh37 (hg19) VCF-style: chr13-32913815-GTATTGAAGAA-G.
Other names: short protein forms N1778fs.
Identifiers: ClinVar variation 1386112 (VCV001386112.6), dbSNP rs2137516326, ClinGen allele CA2573149349.

ClinVar aggregate classification (germline): Pathogenic (1 of 4 stars; one submission).

Conditions:
Hereditary breast ovarian cancer syndrome. Also called: Hereditary breast and ovarian cancer syndrome; Hereditary breast and ovarian cancer; BRCA1- and BRCA2-Associated Hereditary Breast and Ovarian Cancer; Hereditary breast and/or ovarian cancer syndrome; Hereditary breast and ovarian cancer syndrome (HBOC); Breast and ovarian cancer. Identifiers: Orphanet 145, MedGen C0677776, MeSH D061325, MONDO:0003582. Disease mechanism: loss of function.

Submission:

Labcorp Genetics (formerly Invitae), Labcorp
Classification: Pathogenic for Hereditary breast ovarian cancer syndrome. Last evaluated: 2022-06-20. Review status: criteria provided, single submitter. Criteria: Invitae Variant Classification Sherloc (09022015). Collection method: clinical testing. Allele origin: germline.
Comment: For these reasons, this variant has been classified as Pathogenic. This variant has not been reported in the literature in individuals affected with BRCA2-related conditions. This variant is not present in population databases (gnomAD no frequency). This sequence change creates a premature translational stop signal (p.Asn1778Ilefs*10) in the BRCA2 gene. It is expected to result in an absent or disrupted protein product. Loss-of-function variants in BRCA2 are known to be pathogenic (PMID: 20104584).

Literature cited by the submitters: PubMed 20104584.